The following is an entry in ClinVar:

ClinVar aggregate classification (germline): Uncertain significance. Review status: criteria provided, multiple submitters, no conflicts (2 of 4 stars). 2 submissions from 2 submitters: Uncertain significance (2). Last evaluated 2025-12-22.

Conditions:
Inborn genetic diseases. Identifiers: MedGen C0950123, MeSH D030342.
Cone-rod dystrophy 6 (CORD6). Also called: RETINAL CONE DYSTROPHY 2; Cone dystrophy progressive. Identifiers: Orphanet 1872, MedGen C1866293, MONDO:0011143, OMIM 601777.
Leber congenital amaurosis 1 (LCA1). Also called: RETINAL BLINDNESS, CONGENITAL; AMAUROSIS CONGENITA OF LEBER I; Congenital absence of the rods and cones; Leber's congenital tapetoretinal degeneration; Leber's congenital tapetoretinal dysplasia. Identifiers: Orphanet 65, MedGen C2931258, MONDO:0008764, OMIM 204000.

Allele frequency attached by ClinVar (database versions not stated): gnomAD exomes 0.00001; TOPMed 0.00002; ExAC 0.00003.
gnomAD v4.1: 10 of 1,606,746 alleles (0.00062%); highest among the groups gnomAD compares: East Asian, 0.0067%; no homozygotes.

Submissions (2):

Ambry Genetics
Classification: Uncertain significance for Inborn genetic diseases. Last evaluated: 2025-12-22. Review status: criteria provided, single submitter. Criteria: Ambry Variant Classification Scheme 2023. Collection method: clinical testing. Allele origin: germline.

Labcorp Genetics (formerly Invitae), Labcorp
Classification: Uncertain significance for Leber congenital amaurosis 1; Cone-rod dystrophy 6. Last evaluated: 2024-12-02. Review status: criteria provided, single submitter. Criteria: Invitae Variant Classification Sherloc (09022015). Collection method: clinical testing. Allele origin: germline.
Comment: This sequence change replaces arginine, which is basic and polar, with histidine, which is basic and polar, at codon 380 of the GUCY2D protein (p.Arg380His). This variant is present in population databases (rs760307098, gnomAD 0.006%). This variant has not been reported in the literature in individuals affected with GUCY2D-related conditions. ClinVar contains an entry for this variant (Variation ID: 2081875). Invitae Evidence Modeling of protein sequence and biophysical properties (such as structural, functional, and spatial information, amino acid conservation, physicochemical variation, residue mobility, and thermodynamic stability) indicates that this missense variant is not expected to disrupt GUCY2D protein function with a negative predictive value of 80%. In summary, the available evidence is currently insufficient to determine the role of this variant in disease. Therefore, it has been classified as a Variant of Uncertain Significance.

NM_000180.4(GUCY2D):c.1139G>A (p.Arg380His)

Gene: GUCY2D (guanylate cyclase 2D, retinal; plus strand). Cytogenetic location: 17p13.1.
Variant type: single nucleotide variant.
Coding change: c.1139G>A on transcript NM_000180.4 (MANE Select); coding-DNA position 1139, G replaced by A.
Protein change: p.Arg380His; replaces arginine 380 with histidine.
Molecular consequence: missense variant.
Genome position (GRCh38, 1-based): chr17:8,006,475, G>A. VCF-style: chr17-8006475-G-A. GRCh37 (hg19) VCF-style: chr17-7909793-G-A.
Other names: c.1139G>A (NM_000180.3); short protein forms R380H.
Identifiers: ClinVar variation 2081875 (VCV002081875.4), dbSNP rs760307098, ClinGen allele CA8365664.